The following is an entry in ClinVar:

ClinVar aggregate classification (germline): Uncertain significance. Review status: criteria provided, multiple submitters, no conflicts (2 of 4 stars). 2 submissions from 2 submitters: Uncertain significance (2). Last evaluated 2025-12-26.

Conditions:
EVC2-related disorder. Also called: EVC2-related condition.
Ellis-van Creveld syndrome (EVC). Also called: Chondroectodermal dysplasia; MESOECTODERMAL DYSPLASIA. Identifiers: Orphanet 289, MedGen C0013903, MONDO:0009162, OMIM 225500.
Curry-Hall syndrome (WAD). Also called: WEYERS ACRODENTAL DYSOSTOSIS. Identifiers: Orphanet 952, MedGen C0457013, MONDO:0008673, OMIM 193530.

Allele frequency attached by ClinVar (database versions not stated): ExAC 0.00001; gnomAD exomes 0.00001; gnomAD 0.00002; TOPMed 0.00002.
gnomAD v4.1: 20 of 1,613,072 alleles (0.0012%); highest among the groups gnomAD compares: Non-Finnish European, 0.0014%; no homozygotes.

Submissions (2):

PreventionGenetics, part of Exact Sciences
Classification: Uncertain significance for EVC2-related condition. Last evaluated: 2025-12-26. Review status: criteria provided, single submitter. Criteria: ACMG Guidelines, 2015. Collection method: clinical testing. Allele origin: germline.
Comment: The EVC2 c.3047C>T variant is predicted to result in the amino acid substitution p.Ser1016Leu. To our knowledge, this variant has not been reported in the literature. This variant is reported in 0.0036% of alleles in individuals of European (Non-Finnish) descent in gnomAD. At this time, the clinical significance of this variant is uncertain due to the absence of conclusive functional and genetic evidence.

Labcorp Genetics (formerly Invitae), Labcorp
Classification: Uncertain significance for Curry-Hall syndrome; Ellis-van Creveld syndrome. Last evaluated: 2022-07-03. Review status: criteria provided, single submitter. Criteria: Invitae Variant Classification Sherloc (09022015). Collection method: clinical testing. Allele origin: germline.
Comment: This sequence change replaces serine, which is neutral and polar, with leucine, which is neutral and non-polar, at codon 1016 of the EVC2 protein (p.Ser1016Leu). This variant is present in population databases (rs769623217, gnomAD 0.003%). This variant has not been reported in the literature in individuals affected with EVC2-related conditions. Algorithms developed to predict the effect of missense changes on protein structure and function are either unavailable or do not agree on the potential impact of this missense change (SIFT: "Deleterious"; PolyPhen-2: "Benign"; Align-GVGD: "Class C0"). In summary, the available evidence is currently insufficient to determine the role of this variant in disease. Therefore, it has been classified as a Variant of Uncertain Significance.

NM_147127.5(EVC2):c.3047C>T (p.Ser1016Leu)

Gene: EVC2 (EvC ciliary complex subunit 2; minus strand). Cytogenetic location: 4p16.2.
Variant type: single nucleotide variant.
Coding change: c.3047C>T on transcript NM_147127.5 (MANE Select); coding-DNA position 3047, C replaced by T.
Protein change: p.Ser1016Leu; replaces serine 1016 with leucine.
Molecular consequence: missense variant.
Genome position (GRCh38, 1-based): chr4:5,584,633, G>A on the plus strand (C>T on the coding strand, the complement: EVC2 is on the minus strand). VCF-style: chr4-5584633-G-A. GRCh37 (hg19) VCF-style: chr4-5586360-G-A.
Other names: c.2807C>T, p.Ser936Leu (NM_001166136.2); c.3047C>T (NM_147127.4); short protein forms S1016L, S936L.
Identifiers: ClinVar variation 2051619 (VCV002051619.2), dbSNP rs769623217, ClinGen allele CA2834479.